The following is an entry in ClinVar:

NM_000352.6(ABCC8):c.3290A>G (p.His1097Arg)

Gene: ABCC8 (ATP binding cassette subfamily C member 8; minus strand). Cytogenetic location: 11p15.1.
Variant type: single nucleotide variant.
Coding change: c.3290A>G on transcript NM_000352.6 (MANE Select); coding-DNA position 3290, A replaced by G.
Protein change: p.His1097Arg; replaces histidine 1097 with arginine.
Molecular consequence: missense variant. On other transcripts: non-coding transcript variant (1).
Genome position (GRCh38, 1-based): chr11:17,406,661, T>C on the plus strand (A>G on the coding strand, the complement: ABCC8 is on the minus strand). VCF-style: chr11-17406661-T-C. GRCh37 (hg19) VCF-style: chr11-17428208-T-C.
Other names: c.3356A>G, p.His1119Arg (NM_001351295.2); c.3290A>G, p.His1097Arg (NM_001351296.2); c.3287A>G, p.His1096Arg (NM_001351297.2); c.3293A>G, p.His1098Arg (NM_001287174.3); short protein forms H1096R, H1097R, H1098R, H1119R.
Identifiers: ClinVar variation 1526023 (VCV001526023.3), dbSNP rs1352191146, ClinGen allele CA379801443.

ClinVar aggregate classification (germline): Uncertain significance. Review status: criteria provided, multiple submitters, no conflicts (2 of 4 stars). 2 submissions from 2 submitters: Uncertain significance (2). Last evaluated 2025-04-19.

Conditions:
Diabetes mellitus, transient neonatal, 2 (TNDM2). Identifiers: Orphanet 99886, MedGen C1835887, MONDO:0012480, OMIM 610374. Disease mechanism: loss of function.

Allele frequency attached by ClinVar (database versions not stated): gnomAD 0.00001.
gnomAD v4.1: 4 of 1,614,012 alleles (0.00025%); highest among the groups gnomAD compares: South Asian, 0.0011%; no homozygotes.

Submissions (2):

Labcorp Genetics (formerly Invitae), Labcorp
Classification: Uncertain significance. Last evaluated: 2025-04-19. Review status: criteria provided, single submitter. Criteria: Invitae Variant Classification Sherloc (09022015). Collection method: clinical testing. Allele origin: germline.
Comment: This sequence change replaces histidine, which is basic and polar, with arginine, which is basic and polar, at codon 1097 of the ABCC8 protein (p.His1097Arg). This variant is not present in population databases (gnomAD no frequency). This missense change has been observed in individual(s) with clinical features of hyperinsulinism (PMID: 32027066). ClinVar contains an entry for this variant (Variation ID: 1526023). Invitae Evidence Modeling of protein sequence and biophysical properties (such as structural, functional, and spatial information, amino acid conservation, physicochemical variation, residue mobility, and thermodynamic stability) indicates that this missense variant is expected to disrupt ABCC8 protein function with a positive predictive value of 95%. In summary, the available evidence is currently insufficient to determine the role of this variant in disease. Therefore, it has been classified as a Variant of Uncertain Significance.

3billion
Classification: Uncertain significance for Diabetes mellitus, transient neonatal, 2. Last evaluated: 2022-03-22. Review status: criteria provided, single submitter. Criteria: ACMG Guidelines, 2015. Collection method: clinical testing. Allele origin: germline. Affected: yes. Observed: 1 heterozygote.
Comment: It is not observed in the gnomAD v2.1.1 dataset. In silico tool predictions suggest damaging effect of the variant on gene or gene product (REVEL: 0.869>=0.6). Therefore, this variant is classified as uncertain significance according to the recommendation of ACMG/AMP guideline.

Literature cited by the submitters: PubMed 32027066 (cited by Labcorp Genetics (formerly Invitae), Labcorp).